The following is an entry in ClinVar:

NM_012431.3(SEMA3E):c.1366+1G>T

Gene: SEMA3E (semaphorin 3E; minus strand). Cytogenetic location: 7q21.11.
Variant type: single nucleotide variant.
Coding change: c.1366+1G>T on transcript NM_012431.3 (MANE Select); the canonical splice donor site of the intron after coding-DNA position 1366, G replaced by T.
Molecular consequence: splice donor variant.
Genome position (GRCh38, 1-based): chr7:83,400,027, C>A on the plus strand (G>T on the coding strand, the complement: SEMA3E is on the minus strand). VCF-style: chr7-83400027-C-A. GRCh37 (hg19) VCF-style: chr7-83029343-C-A.
Other names: c.1186+1G>T (NM_001178129.2).
Identifiers: ClinVar variation 2036260 (VCV002036260.4), dbSNP rs2484305360, ClinGen allele CA367926963.
Genomic context (GRCh38, chr7:83,400,027, plus strand): 5'-TTAAAATTATTGAATTTAAGGGTCAATTTAAATATCTCTGAGTACTTTCTCGTCTCTTTA[C>A]CTGTCCCAATAAACAAGACGTCATATTGGCCATCCTCAGCTTCCACTCGATCTACTGCTA-3'

ClinVar aggregate classification (germline): Uncertain significance (1 of 4 stars; one submission).

Conditions:
CHARGE syndrome (CHARGE). Also called: Hittner Hirsch Kreh syndrome; CHARGE ASSOCIATION--COLOBOMA, HEART ANOMALY, CHOANAL ATRESIA, RETARDATION, GENITAL AND EAR ANOMALIES; Coloboma, heart anomaly, choanal atresia, retardation, genital and ear anomalies; CHARGE association; Hall-Hittner syndrome. Identifiers: Orphanet 138, MedGen C0265354, MONDO:0008965.

Allele frequency attached by ClinVar (database versions not stated): gnomAD exomes below 0.00001.
gnomAD v4.1: 2 of 1,603,910 alleles (0.00012%); highest among the groups gnomAD compares: Non-Finnish European, 0.00017%; no homozygotes.

Submission:

Labcorp Genetics (formerly Invitae), Labcorp
Classification: Uncertain significance for CHARGE syndrome. Last evaluated: 2022-10-20. Review status: criteria provided, single submitter. Criteria: Invitae Variant Classification Sherloc (09022015). Collection method: clinical testing. Allele origin: germline.
Comment: This sequence change affects a donor splice site in intron 11 of the SEMA3E gene. It is expected to disrupt RNA splicing. Variants that disrupt the donor or acceptor splice site typically lead to a loss of protein function (PMID: 16199547), however the current clinical and genetic evidence is not sufficient to establish whether loss-of-function variants in SEMA3E cause disease. This variant is not present in population databases (gnomAD no frequency). In summary, the available evidence is currently insufficient to determine the role of this variant in disease. Therefore, it has been classified as a Variant of Uncertain Significance. Algorithms developed to predict the effect of sequence changes on RNA splicing suggest that this variant may disrupt the consensus splice site. This variant has not been reported in the literature in individuals affected with SEMA3E-related conditions.

Literature cited by the submitters: PubMed 16199547.